The following is an entry in ClinVar:

NM_001165963.4(SCN1A):c.1807_1808del (p.Ser603fs)

Gene: SCN1A (sodium voltage-gated channel alpha subunit 1; minus strand). Cytogenetic location: 2q24.3.
Variant type: Microsatellite.
Coding change: c.1807_1808del on transcript NM_001165963.4 (MANE Select); coding-DNA positions 1807 to 1808, 2 bases deleted (AG; older notation c.1807_1808delAG).
Protein change: p.Ser603fs; shifts the reading frame from serine 603.
Molecular consequence: frameshift variant. On other transcripts: 5 prime UTR variant (1), non-coding transcript variant (1).
Genome position (GRCh38, 1-based): chr2:166,043,904-166,043,905, CT deleted on the plus strand (AG on the coding strand, the reverse complement: SCN1A is on the minus strand); deleting any 2 consecutive bases within chr2:166,043,904-166,043,908 gives the same sequence; the c. name uses the placement nearest the transcript's 3' end. VCF-style (leftmost placement, unchanged base first): chr2-166043903-GCT-G. GRCh37 (hg19) VCF-style: chr2-166900413-GCT-G.
Other names: c.1807_1808del, p.Ser603fs (NM_001353958.2, NM_006920.6, NM_001165964.3 and 7 more transcripts); c.1804_1805del, p.Ser602fs (NM_001353960.2, NM_001353954.2, NM_001353955.2); c.-621AG[1] (NM_001353961.2); short protein forms S602fs, S603fs.
Identifiers: ClinVar variation 1064524 (VCV001064524.3), dbSNP rs2105843552, ClinGen allele CA2580614387.

ClinVar aggregate classification (germline): Pathogenic. Review status: criteria provided, multiple submitters, no conflicts (2 of 4 stars). 2 submissions from 2 submitters: Pathogenic (2). Last evaluated 2024-07-19.

Conditions:
Seizure. Also called: Seizures. Identifiers: MedGen C0036572, HP:0001250.
Early-infantile DEE. Also called: Early infantile epileptic encephalopathy; Early infantile epileptic encephalopathy with suppression bursts; Ohtahara syndrome. Identifiers: Orphanet 1934, MedGen C0393706, MONDO:0800491.

Submissions (2):

Labcorp Genetics (formerly Invitae), Labcorp
Classification: Pathogenic for Early-infantile DEE. Last evaluated: 2024-07-19. Review status: criteria provided, single submitter. Criteria: Invitae Variant Classification Sherloc (09022015). Collection method: clinical testing. Allele origin: germline.
Comment: This sequence change creates a premature translational stop signal (p.Ser603Profs*2) in the SCN1A gene. It is expected to result in an absent or disrupted protein product. Loss-of-function variants in SCN1A are known to be pathogenic (PMID: 17347258, 18930999). This variant is not present in population databases (gnomAD no frequency). This variant has not been reported in the literature in individuals affected with SCN1A-related conditions. ClinVar contains an entry for this variant (Variation ID: 1064524). For these reasons, this variant has been classified as Pathogenic.

Cytogénomique, Hospices Civils de Lyon
Classification: Pathogenic for Seizure. Last evaluated: 2021-04-16. Review status: criteria provided, single submitter. Criteria: ACMG Guidelines, 2015. Collection method: clinical testing. Allele origin: de novo. Inheritance: Sporadic. Affected: yes. Observed: 1 variant allele, 1 heterozygote.
Comment: truncating variant absent from gnomAD. Fits with phenotype.

Literature cited by the submitters: PubMed 17347258 (cited by Labcorp Genetics (formerly Invitae), Labcorp); PubMed 18930999 (cited by Labcorp Genetics (formerly Invitae), Labcorp).